The following is an entry in ClinVar:

NM_000038.6(APC):c.7158G>T (p.Lys2386Asn)

Gene: APC (APC regulator of Wnt signaling pathway; plus strand). Cytogenetic location: 5q22.2.
Variant type: single nucleotide variant.
Coding change: c.7158G>T on transcript NM_000038.6 (MANE Select); coding-DNA position 7158, G replaced by T.
Protein change: p.Lys2386Asn; replaces lysine 2386 with asparagine.
Molecular consequence: missense variant. On other transcripts: non-coding transcript variant (2).
Genome position (GRCh38, 1-based): chr5:112,842,752, G>T. VCF-style: chr5-112842752-G-T. GRCh37 (hg19) VCF-style: chr5-112178449-G-T.
Other names: c.7158G>T, p.Lys2386Asn (NM_001127510.3, NM_001354895.2, NM_001407450.1); c.7104G>T, p.Lys2368Asn (NM_001127511.3); c.7212G>T, p.Lys2404Asn (NM_001354896.2, NM_001407447.1, NM_001407448.1 and 1 more transcripts); c.7188G>T, p.Lys2396Asn (NM_001354897.2); c.7083G>T, p.Lys2361Asn (NM_001354898.2); c.7074G>T, p.Lys2358Asn (NM_001354899.2); c.7035G>T, p.Lys2345Asn (NM_001354900.2); c.6981G>T, p.Lys2327Asn (NM_001354901.2, NM_001407453.1); and 11 more; short protein forms K2002N, K2103N, K2226N, K2257N, K2260N, K2285N, K2295N, K2303N.
Identifiers: ClinVar variation 3071114 (VCV003071114.2), dbSNP rs1766393148, ClinGen allele CA16036919.

ClinVar aggregate classification (germline): Uncertain significance. Review status: criteria provided, multiple submitters, no conflicts (2 of 4 stars). 2 submissions from 2 submitters: Uncertain significance (2). Last evaluated 2024-02-25.

Conditions:
Classic or attenuated familial adenomatous polyposis. Identifiers: MedGen CN372698, MONDO:0021057.
Familial adenomatous polyposis 1 (FAP1). Also called: POLYPOSIS, ADENOMATOUS INTESTINAL; FAMILIAL ADENOMATOUS POLYPOSIS 1, ATTENUATED. Identifiers: MedGen C2713442, MONDO:0021056, OMIM 175100. Disease mechanism: loss of function.

Submissions (2):

Baylor Genetics
Classification: Uncertain significance for Familial adenomatous polyposis 1. Last evaluated: 2024-02-25. Review status: criteria provided, single submitter. Criteria: ACMG Guidelines, 2015. Collection method: clinical testing. Allele origin: unknown.

All of Us Research Program, National Institutes of Health
Classification: Uncertain significance for Classic or attenuated familial adenomatous polyposis. Last evaluated: 2023-05-16. Review status: criteria provided, single submitter. Criteria: ACMG Guidelines, 2015. Collection method: clinical testing. Allele origin: germline. Inheritance: Autosomal dominant inheritance. Observed: 1 variant allele, 1 heterozygote.
Comment: This missense variant replaces lysine with asparagine at codon 2386 of the APC protein. Computational prediction suggests that this variant may not impact protein structure and function (internally defined REVEL score threshold <= 0.5, PMID: 27666373). To our knowledge, functional studies have not been reported for this variant. This variant has not been reported in individuals affected with APC-related disorders in the literature. This variant has not been identified in the general population by the Genome Aggregation Database (gnomAD). The available evidence is insufficient to determine the role of this variant in disease conclusively. Therefore, this variant is classified as a Variant of Uncertain Significance.

This study involves interpretation of variants in research participants for the purpose of population health screening. Participant phenotype was not available at the time of variant classification. Additional details can be found in publication PMID: 35346344, PMCID: PMC8962531